The following is an entry in ClinVar:

NM_003995.4(NPR2):c.676A>C (p.Ile226Leu)

Gene: NPR2 (natriuretic peptide receptor 2; plus strand). Cytogenetic location: 9p13.3.
Variant type: single nucleotide variant.
Coding change: c.676A>C on transcript NM_003995.4 (MANE Select); coding-DNA position 676, A replaced by C.
Protein change: p.Ile226Leu; replaces isoleucine 226 with leucine.
Molecular consequence: missense variant.
Genome position (GRCh38, 1-based): chr9:35,793,906, A>C. VCF-style: chr9-35793906-A-C. GRCh37 (hg19) VCF-style: chr9-35793903-A-C.
Other names: c.676A>C, p.Ile226Leu (NM_001378923.1); short protein forms I226L.
Identifiers: ClinVar variation 5041724 (VCV005041724.1).

ClinVar aggregate classification (germline): Uncertain significance (1 of 4 stars; one submission).

Submission:

CeGaT Center for Human Genetics Tuebingen
Classification: Uncertain significance. Last evaluated: 2026-09-01. Review status: criteria provided, single submitter. Criteria: CeGaT Center For Human Genetics Tuebingen Variant Classification Criteria Version 2. Collection method: clinical testing. Allele origin: germline. Affected: yes. Observed: 1 variant allele.
Comment: NPR2: PM2, PP2